The following is an entry in ClinVar:

NM_001134831.2(AHI1):c.83G>A (p.Arg28His)

Gene: AHI1 (Abelson helper integration site 1; minus strand). Cytogenetic location: 6q23.3.
Variant type: single nucleotide variant.
Coding change: c.83G>A on transcript NM_001134831.2 (MANE Select); coding-DNA position 83, G replaced by A.
Protein change: p.Arg28His; replaces arginine 28 with histidine.
Molecular consequence: missense variant.
Genome position (GRCh38, 1-based): chr6:135,490,675, C>T on the plus strand (G>A on the coding strand, the complement: AHI1 is on the minus strand). VCF-style: chr6-135490675-C-T. GRCh37 (hg19) VCF-style: chr6-135811813-C-T.
Other names: c.83G>A, p.Arg28His (NM_001134830.2, NM_001134832.2, NM_001350503.2 and 2 more transcripts); short protein forms R28H.
Identifiers: ClinVar variation 451651 (VCV000451651.10), dbSNP rs36115433, ClinGen allele CA4012956.

ClinVar aggregate classification (germline): Conflicting classifications of pathogenicity. Review status: criteria provided, conflicting classifications (1 of 4 stars). 3 submissions from 3 submitters: Uncertain significance (2); Likely benign (1). Last evaluated 2026-01-05.

Conditions:
Joubert syndrome. Also called: CEREBELLOPARENCHYMAL DISORDER IV; JOUBERT-BOLTSHAUSER SYNDROME; Familial aplasia of the vermis. Identifiers: Orphanet 475, MedGen C5979921, MONDO:0018772.
Joubert syndrome 3 (JBTS3). Also called: AHI1-related Ciliopathy. Identifiers: Orphanet 220493, MedGen C1837713, MONDO:0012078, OMIM 608629.

Allele frequency attached by ClinVar (database versions not stated): gnomAD 0.00004 and 0.00003; TOPMed 0.00005.
gnomAD v4.1: 43 of 1,613,200 alleles (0.0027%); highest among the groups gnomAD compares: Admixed American, 0.0033%; no homozygotes.

Submissions (3):

Labcorp Genetics (formerly Invitae), Labcorp
Classification: Likely benign for Joubert syndrome. Last evaluated: 2026-01-05. Review status: criteria provided, single submitter. Criteria: Invitae Variant Classification Sherloc (09022015). Collection method: clinical testing. Allele origin: germline.

Fulgent Genetics
Classification: Uncertain significance for Joubert syndrome 3. Last evaluated: 2022-02-15. Review status: criteria provided, single submitter. Criteria: ACMG Guidelines, 2015. Collection method: clinical testing. Allele origin: unknown.

GeneDx
Classification: Uncertain significance. Last evaluated: 2020-01-22. Review status: criteria provided, single submitter. Criteria: GeneDx Variant Classification Process June 2021. Collection method: clinical testing. Allele origin: germline. Affected: yes.
Comment: In silico analysis, which includes protein predictors and evolutionary conservation, supports that this variant does not alter protein structure/function; Has not been previously published as pathogenic or benign to our knowledge